The following is an entry in ClinVar:

NM_004329.3(BMPR1A):c.960C>G (p.Phe320Leu)

Gene: BMPR1A (bone morphogenetic protein receptor type 1A; plus strand). Cytogenetic location: 10q23.2.
Variant type: single nucleotide variant.
Coding change: c.960C>G on transcript NM_004329.3 (MANE Select); coding-DNA position 960, C replaced by G.
Protein change: p.Phe320Leu; replaces phenylalanine 320 with leucine.
Molecular consequence: missense variant.
Genome position (GRCh38, 1-based): chr10:86,919,263, C>G. VCF-style: chr10-86919263-C-G. GRCh37 (hg19) VCF-style: chr10-88679020-C-G.
Other names: short protein forms F320L.
Identifiers: ClinVar variation 823373 (VCV000823373.12), dbSNP rs1564724183, ClinGen allele CA377460271.

ClinVar aggregate classification (germline): Uncertain significance. Review status: criteria provided, multiple submitters, no conflicts (2 of 4 stars). 2 submissions from 2 submitters: Uncertain significance (2). Last evaluated 2022-06-18.

Conditions:
Hereditary cancer-predisposing syndrome. Also called: Hereditary Cancer Syndrome; Neoplastic Syndromes, Hereditary; Hereditary neoplastic syndrome; Tumor predisposition. Identifiers: Orphanet 140162, MedGen C0027672, MeSH D009386, MONDO:0015356.
Juvenile polyposis syndrome (JPS). Identifiers: Orphanet 2929, MedGen C0345893, MONDO:0017380, OMIM 174900.

Allele frequency attached by ClinVar (database versions not stated): gnomAD exomes below 0.00001.
gnomAD v4.1: 1 of 1,613,948 alleles (0.000062%); highest among the groups gnomAD compares: Middle Eastern, 0.017%; no homozygotes.

Submissions (2):

Labcorp Genetics (formerly Invitae), Labcorp
Classification: Uncertain significance for Juvenile polyposis syndrome. Last evaluated: 2022-06-18. Review status: criteria provided, single submitter. Criteria: Invitae Variant Classification Sherloc (09022015). Collection method: clinical testing. Allele origin: germline.
Comment: In summary, the available evidence is currently insufficient to determine the role of this variant in disease. Therefore, it has been classified as a Variant of Uncertain Significance. This sequence change replaces phenylalanine, which is neutral and non-polar, with leucine, which is neutral and non-polar, at codon 320 of the BMPR1A protein (p.Phe320Leu). This variant is not present in population databases (gnomAD no frequency). This variant has not been reported in the literature in individuals affected with BMPR1A-related conditions. ClinVar contains an entry for this variant (Variation ID: 823373). Advanced modeling of protein sequence and biophysical properties (such as structural, functional, and spatial information, amino acid conservation, physicochemical variation, residue mobility, and thermodynamic stability) performed at Invitae indicates that this missense variant is not expected to disrupt BMPR1A protein function.

Ambry Genetics
Classification: Uncertain significance for Hereditary cancer-predisposing syndrome. Last evaluated: 2018-05-09. Review status: criteria provided, single submitter. Criteria: Ambry Variant Classification Scheme 2023. Collection method: clinical testing. Allele origin: germline.
Comment: The p.F320L variant (also known as c.960C>G), located in coding exon 8 of the BMPR1A gene, results from a C to G substitution at nucleotide position 960. The phenylalanine at codon 320 is replaced by leucine, an amino acid with highly similar properties. This amino acid position is not well conserved in available vertebrate species. In addition, the in silico prediction for this alteration is inconclusive. Since supporting evidence is limited at this time, the clinical significance of this alteration remains unclear.